The following is an entry in ClinVar:

NM_014915.3(ANKRD26):c.763G>C (p.Asp255His)

Gene: ANKRD26 (ankyrin repeat domain 26; minus strand). Cytogenetic location: 10p12.1.
Variant type: single nucleotide variant.
Coding change: c.763G>C on transcript NM_014915.3 (MANE Select); coding-DNA position 763, G replaced by C.
Protein change: p.Asp255His; replaces aspartic acid 255 with histidine.
Molecular consequence: missense variant.
Genome position (GRCh38, 1-based): chr10:27,079,139, C>G on the plus strand (G>C on the coding strand, the complement: ANKRD26 is on the minus strand). VCF-style: chr10-27079139-C-G. GRCh37 (hg19) VCF-style: chr10-27368068-C-G.
Other names: c.763G>C, p.Asp255His (NM_001256053.2); short protein forms D255H.
Identifiers: ClinVar variation 3868626 (VCV003868626.2).

ClinVar aggregate classification (germline): Uncertain significance. Review status: criteria provided, multiple submitters, no conflicts (2 of 4 stars). 2 submissions from 2 submitters: Uncertain significance (2). Last evaluated 2025-02-21.

Conditions:
Inborn genetic diseases. Identifiers: MedGen C0950123, MeSH D030342.

gnomAD v4.1: 12 of 1,613,692 alleles (0.00074%); highest among the groups gnomAD compares: Non-Finnish European, 0.00093%; no homozygotes.

Submissions (2):

Ambry Genetics
Classification: Uncertain significance for Inborn genetic diseases. Last evaluated: 2025-02-21. Review status: criteria provided, single submitter. Criteria: Ambry Variant Classification Scheme 2023. Collection method: clinical testing. Allele origin: germline.
Comment: The p.D255H variant (also known as c.763G>C), located in coding exon 7 of the ANKRD26 gene, results from a G to C substitution at nucleotide position 763. The aspartic acid at codon 255 is replaced by histidine, an amino acid with similar properties. This amino acid position is conserved. In addition, this alteration is predicted to be tolerated by in silico analysis. Based on the available evidence, the clinical significance of this variant remains unclear.

Blueprint Genetics
Classification: Uncertain significance. Last evaluated: 2022-11-11. Review status: criteria provided, single submitter. Criteria: ACMG Guidelines, 2015. Collection method: clinical testing. Allele origin: germline.